The following is an entry in ClinVar:

ClinVar aggregate classification (germline): Uncertain significance (1 of 4 stars; one submission).

Allele frequency attached by ClinVar (database versions not stated): gnomAD exomes 0.00001; ExAC 0.00002; gnomAD 0.00001.
gnomAD v4.1: 18 of 1,613,888 alleles (0.0011%); highest among the groups gnomAD compares: South Asian, 0.0055%; no homozygotes.

Submission:

Labcorp Genetics (formerly Invitae), Labcorp
Classification: Uncertain significance. Last evaluated: 2025-07-14. Review status: criteria provided, single submitter. Criteria: Invitae Variant Classification Sherloc (09022015). Collection method: clinical testing. Allele origin: germline.
Comment: This sequence change replaces valine, which is neutral and non-polar, with isoleucine, which is neutral and non-polar, at codon 126 of the WDR4 protein (p.Val126Ile). This variant is present in population databases (rs200776432, gnomAD 0.006%). This variant has not been reported in the literature in individuals affected with WDR4-related conditions. ClinVar contains an entry for this variant (Variation ID: 1971934). Invitae Evidence Modeling of protein sequence and biophysical properties (such as structural, functional, and spatial information, amino acid conservation, physicochemical variation, residue mobility, and thermodynamic stability) indicates that this missense variant is not expected to disrupt WDR4 protein function with a negative predictive value of 80%. In summary, the available evidence is currently insufficient to determine the role of this variant in disease. Therefore, it has been classified as a Variant of Uncertain Significance.

NM_018669.6(WDR4):c.376G>A (p.Val126Ile)

Gene: WDR4 (WDR4 tRNA N7-guanosine methyltransferase non-catalytic subunit; minus strand). Cytogenetic location: 21q22.3.
Variant type: single nucleotide variant.
Coding change: c.376G>A on transcript NM_018669.6 (MANE Select); coding-DNA position 376, G replaced by A.
Protein change: p.Val126Ile; replaces valine 126 with isoleucine.
Molecular consequence: missense variant. On other transcripts: 5 prime UTR variant (3), non-coding transcript variant (1).
Genome position (GRCh38, 1-based): chr21:42,863,517, C>T on the plus strand (G>A on the coding strand, the complement: WDR4 is on the minus strand). VCF-style: chr21-42863517-C-T. GRCh37 (hg19) VCF-style: chr21-44283627-C-T.
Other names: c.376G>A, p.Val126Ile (NM_001260474.2, NM_033661.5); c.-63G>A (NM_001260475.2, NM_001260476.2, NM_001260477.2 and 1 more transcripts); short protein forms V126I.
Identifiers: ClinVar variation 1971934 (VCV001971934.3), dbSNP rs200776432, ClinGen allele CA10046150.